The following is an entry in ClinVar:

NM_058216.1(RAD51C):c.966-?_1026+?del

Gene: RAD51C (RAD51 paralog C; plus strand). Cytogenetic location: 17q22.
Variant type: Deletion.
Coding change: c.966-?_1026+?del on transcript NM_058216.1.
Other names: c.966-?_1026+?del (LRG_314t1).
Identifiers: ClinVar variation 219988 (VCV000219988.1).

ClinVar aggregate classification (germline): Pathogenic (1 of 4 stars; one submission).

Conditions:
Fanconi anemia complementation group O. Also called: RAD51C-Related Fanconi Anemia. Identifiers: Orphanet 84, MedGen C3150653, MONDO:0013248, OMIM 613390.

Submission:

Labcorp Genetics (formerly Invitae), Labcorp
Classification: Pathogenic for Fanconi anemia complementation group O. Last evaluated: 2016-07-09. Review status: criteria provided, single submitter. Criteria: Invitae Variant Classification Sherloc (09022015). Collection method: clinical testing. Allele origin: germline.
Comment: This variant is a gross deletion of the genomic region encompassing exon 8 of the RAD51C gene. This deletion is expected to create a premature translational stop signal in the last exon. While this is not anticipated to result in nonsense mediated decay, it is expected to create a truncated RAD51C protein. This variant is not present in population databases (ExAC no frequency) and has not been reported in the literature in individuals with a RAD51C-related disease. This variant is expected to cause the loss or disruption of 55 C-terminal amino acid residues from the RAD51C protein. While the effect of this particular sequence change on RAD51C function has not been tested, the C-terminal region of RAD51C is known to contain a nuclear localization signal, and the deletion of 11 C-terminal residues leads to cellular mislocalization of the protein, as well as reduced MMC resistance compared to the wild-type protein (PMID: 12966089). For these reasons, this variant has been classified as Pathogenic.